The following is an entry in ClinVar:

NM_003737.4(DCHS1):c.2789C>T (p.Thr930Ile)

Gene: DCHS1 (dachsous cadherin-related 1; minus strand). Cytogenetic location: 11p15.4.
Variant type: single nucleotide variant.
Coding change: c.2789C>T on transcript NM_003737.4 (MANE Select); coding-DNA position 2789, C replaced by T.
Protein change: p.Thr930Ile; replaces threonine 930 with isoleucine.
Molecular consequence: missense variant.
Genome position (GRCh38, 1-based): chr11:6,632,723, G>A on the plus strand (C>T on the coding strand, the complement: DCHS1 is on the minus strand). VCF-style: chr11-6632723-G-A. GRCh37 (hg19) VCF-style: chr11-6653954-G-A.
Other names: short protein forms T930I.
Identifiers: ClinVar variation 2007364 (VCV002007364.4), dbSNP rs2493829902, ClinGen allele CA379419075.

ClinVar aggregate classification (germline): Uncertain significance (1 of 4 stars; one submission).

gnomAD v4.1: 1 of 1,604,580 alleles (0.000062%); highest among the groups gnomAD compares: Non-Finnish European, 0.000085%; no homozygotes.

Submission:

Labcorp Genetics (formerly Invitae), Labcorp
Classification: Uncertain significance. Last evaluated: 2022-06-16. Review status: criteria provided, single submitter. Criteria: Invitae Variant Classification Sherloc (09022015). Collection method: clinical testing. Allele origin: germline.
Comment: In summary, the available evidence is currently insufficient to determine the role of this variant in disease. Therefore, it has been classified as a Variant of Uncertain Significance. Advanced modeling of protein sequence and biophysical properties (such as structural, functional, and spatial information, amino acid conservation, physicochemical variation, residue mobility, and thermodynamic stability) performed at Invitae indicates that this missense variant is not expected to disrupt DCHS1 protein function. This variant has not been reported in the literature in individuals affected with DCHS1-related conditions. This variant is not present in population databases (gnomAD no frequency). This sequence change replaces threonine, which is neutral and polar, with isoleucine, which is neutral and non-polar, at codon 930 of the DCHS1 protein (p.Thr930Ile).